The following is an entry in ClinVar:

ClinVar aggregate classification (germline): Uncertain significance (1 of 4 stars; one submission).

Conditions:
Intellectual developmental disorder, autosomal dominant 1. Also called: Intellectual disability, autosomal dominant 1; MBD5 Haploinsufficiency. Identifiers: Orphanet 228402, MedGen C1969562, MONDO:0007974, OMIM 156200.

Allele frequency attached by ClinVar (database versions not stated): gnomAD exomes below 0.00001; gnomAD 0.00001; TOPMed 0.00001.
gnomAD v4.1: 3 of 1,613,848 alleles (0.00019%); highest among the groups gnomAD compares: Admixed American, 0.0033%; no homozygotes.

Submission:

Labcorp Genetics (formerly Invitae), Labcorp
Classification: Uncertain significance for Intellectual developmental disorder, autosomal dominant 1. Last evaluated: 2024-10-05. Review status: criteria provided, single submitter. Criteria: Invitae Variant Classification Sherloc (09022015). Collection method: clinical testing. Allele origin: germline.
Comment: This sequence change replaces alanine, which is neutral and non-polar, with threonine, which is neutral and polar, at codon 758 of the MBD5 protein (p.Ala758Thr). This variant is not present in population databases (gnomAD no frequency). This variant has not been reported in the literature in individuals affected with MBD5-related conditions. ClinVar contains an entry for this variant (Variation ID: 949279). Invitae Evidence Modeling of protein sequence and biophysical properties (such as structural, functional, and spatial information, amino acid conservation, physicochemical variation, residue mobility, and thermodynamic stability) indicates that this missense variant is not expected to disrupt MBD5 protein function with a negative predictive value of 80%. In summary, the available evidence is currently insufficient to determine the role of this variant in disease. Therefore, it has been classified as a Variant of Uncertain Significance.

NM_001378120.1(MBD5):c.2272G>A (p.Ala758Thr)

Gene: MBD5 (methyl-CpG binding domain protein 5; plus strand). Cytogenetic location: 2q23.1.
Variant type: single nucleotide variant.
Coding change: c.2272G>A on transcript NM_001378120.1 (MANE Select); coding-DNA position 2272, G replaced by A.
Protein change: p.Ala758Thr; replaces alanine 758 with threonine.
Molecular consequence: missense variant.
Genome position (GRCh38, 1-based): chr2:148,470,215, G>A. VCF-style: chr2-148470215-G-A. GRCh37 (hg19) VCF-style: chr2-149227784-G-A.
Other names: c.2272G>A, p.Ala758Thr (NM_018328.5); short protein forms A758T.
Identifiers: ClinVar variation 949279 (VCV000949279.10), dbSNP rs921434746, ClinGen allele CA57579601.